The following is an entry in ClinVar:

NM_006270.5(RRAS):c.394C>T (p.Arg132Cys)

Gene: RRAS (RAS related; minus strand). Cytogenetic location: 19q13.33.
Variant type: single nucleotide variant.
Coding change: c.394C>T on transcript NM_006270.5 (MANE Select); coding-DNA position 394, C replaced by T.
Protein change: p.Arg132Cys; replaces arginine 132 with cysteine.
Molecular consequence: missense variant.
Genome position (GRCh38, 1-based): chr19:49,636,678, G>A on the plus strand (C>T on the coding strand, the complement: RRAS is on the minus strand). VCF-style: chr19-49636678-G-A. GRCh37 (hg19) VCF-style: chr19-50139935-G-A.
Other names: c.394C>T (NM_006270.3); short protein forms R132C.
Identifiers: ClinVar variation 848157 (VCV000848157.12), dbSNP rs773258112, ClinGen allele CA9579035.

ClinVar aggregate classification (germline): Uncertain significance. Review status: criteria provided, multiple submitters, no conflicts (2 of 4 stars). 2 submissions from 2 submitters: Uncertain significance (2). Last evaluated 2025-04-11.

Conditions:
Noonan syndrome (NS). Also called: Noonan's syndrome. Identifiers: Orphanet 648, MedGen C0028326, MeSH D009634, MONDO:0018997. Disease mechanism: gain of function.

Allele frequency attached by ClinVar (database versions not stated): gnomAD exomes 0.00001; TOPMed 0.00003; ExAC 0.00001; gnomAD 0.00001.
gnomAD v4.1: 16 of 1,613,960 alleles (0.00099%); highest among the groups gnomAD compares: Admixed American, 0.0033%; no homozygotes.

Submissions (2):

Ambry Genetics
Classification: Uncertain significance. Last evaluated: 2025-04-11. Review status: criteria provided, single submitter. Criteria: Ambry Variant Classification Scheme 2023. Collection method: clinical testing. Allele origin: germline.

Labcorp Genetics (formerly Invitae), Labcorp
Classification: Uncertain significance for Noonan syndrome. Last evaluated: 2024-10-07. Review status: criteria provided, single submitter. Criteria: Invitae Variant Classification Sherloc (09022015). Collection method: clinical testing. Allele origin: germline.
Comment: This sequence change replaces arginine, which is basic and polar, with cysteine, which is neutral and slightly polar, at codon 132 of the RRAS protein (p.Arg132Cys). This variant is present in population databases (rs773258112, gnomAD 0.003%). This variant has not been reported in the literature in individuals affected with RRAS-related conditions. ClinVar contains an entry for this variant (Variation ID: 848157). An algorithm developed to predict the effect of missense changes on protein structure and function (PolyPhen-2) suggests that this variant is likely to be disruptive. In summary, the available evidence is currently insufficient to determine the role of this variant in disease. Therefore, it has been classified as a Variant of Uncertain Significance.